The following is an entry in ClinVar:

ClinVar aggregate classification (germline): Benign/Likely benign. Review status: criteria provided, multiple submitters, no conflicts (2 of 4 stars). 4 submissions from 4 submitters: Benign (1); Likely benign (3). Last evaluated 2024-10-29.

Conditions:
Hereditary cancer-predisposing syndrome. Also called: Tumor predisposition; Hereditary neoplastic syndrome; Neoplastic Syndromes, Hereditary; Hereditary Cancer Syndrome. Identifiers: Orphanet 140162, MedGen C0027672, MeSH D009386, MONDO:0015356.
Fanconi anemia complementation group J. Also called: BRIP1-Related Fanconi Anemia. Identifiers: Orphanet 84, MedGen C1836860, MONDO:0012187, OMIM 609054.
Familial cancer of breast. Also called: hereditary breast carcinoma; Hereditary breast cancer; BREAST CANCER, FAMILIAL. Identifiers: Orphanet 227535, MedGen C0346153, MONDO:0016419, OMIM 114480. Disease mechanism: loss of function.

Allele frequency attached by ClinVar (database versions not stated): gnomAD exomes below 0.00001.
gnomAD v4.1: 2 of 1,613,762 alleles (0.00012%); highest among the groups gnomAD compares: Non-Finnish European, 0.000085%; no homozygotes.

Submissions (4):

Labcorp Genetics (formerly Invitae), Labcorp
Classification: Likely benign for Familial cancer of breast; Fanconi anemia complementation group J. Last evaluated: 2024-10-29. Review status: criteria provided, single submitter. Criteria: Invitae Variant Classification Sherloc (09022015). Collection method: clinical testing. Allele origin: germline.

Myriad Genetics, Inc.
Classification: Benign for Familial cancer of breast. Last evaluated: 2024-08-26. Review status: criteria provided, single submitter. Criteria: Myriad Autosomal Dominant, Autosomal Recessive and X-Linked Classification Criteria (2023). Collection method: clinical testing. Allele origin: unknown.
Comment: This variant is considered benign. This variant is a silent/synonymous amino acid change and it is not expected to impact splicing.

Ambry Genetics
Classification: Likely benign for Hereditary cancer-predisposing syndrome. Last evaluated: 2019-12-14. Review status: criteria provided, single submitter. Criteria: Ambry Variant Classification Scheme 2023. Collection method: clinical testing. Allele origin: germline.

Color Diagnostics, LLC DBA Color Health
Classification: Likely benign for Hereditary cancer-predisposing syndrome. Last evaluated: 2019-03-19. Review status: criteria provided, single submitter. Criteria: ACMG Guidelines, 2015. Collection method: clinical testing. Allele origin: germline.

NM_032043.3(BRIP1):c.1263A>G (p.Glu421=)

Gene: BRIP1 (BRCA1 interacting DNA helicase 1; minus strand). Cytogenetic location: 17q23.2.
Variant type: single nucleotide variant.
Coding change: c.1263A>G on transcript NM_032043.3 (MANE Select); coding-DNA position 1263, A replaced by G.
Protein change: p.Glu421=; no amino-acid change (glutamic acid 421 retained).
Molecular consequence: synonymous variant.
Genome position (GRCh38, 1-based): chr17:61,799,177, T>C on the plus strand (A>G on the coding strand, the complement: BRIP1 is on the minus strand). VCF-style: chr17-61799177-T-C. GRCh37 (hg19) VCF-style: chr17-59876538-T-C.
Identifiers: ClinVar variation 220216 (VCV000220216.20), dbSNP rs864622423, ClinGen allele CA350521.
Genomic context (GRCh38, chr17:61,799,177, plus strand): 5'-CACAGCTCGTAGGGGTTCATGATCTTTCTTCCTTATATTATTGTTGACCATACTATCTAG[T>C]TCATCCCGAGCAAACCGAAGCTGAACTTCTGTTACACTGTAACTTGCTGATTCCCGAGCA-3'
Protein context (NP_114432.2, residues 411-431): TEVQLRFARD[Glu421=]LDSMVNNNIR